The following is an entry in ClinVar:

ClinVar aggregate classification (germline): Uncertain significance. Review status: criteria provided, multiple submitters, no conflicts (2 of 4 stars). 2 submissions from 2 submitters: Uncertain significance (2). Last evaluated 2024-07-25.

Conditions:
Hypertrophic cardiomyopathy. Also called: HYPERTROPHIC MYOCARDIOPATHY. Identifiers: Orphanet 217569, MedGen C0007194, MeSH D002312, MONDO:0005045, HP:0001639.

Allele frequency attached by ClinVar (database versions not stated): gnomAD exomes below 0.00001; gnomAD 0.00001; TOPMed 0.00001.
gnomAD v4.1: 5 of 1,613,788 alleles (0.00031%); highest among the groups gnomAD compares: Non-Finnish European, 0.00042%; no homozygotes.

Submissions (2):

Ambry Genetics
Classification: Uncertain significance. Last evaluated: 2024-07-25. Review status: criteria provided, single submitter. Criteria: Ambry Variant Classification Scheme 2023. Collection method: clinical testing. Allele origin: germline.

Labcorp Genetics (formerly Invitae), Labcorp
Classification: Uncertain significance for Hypertrophic cardiomyopathy. Last evaluated: 2023-12-05. Review status: criteria provided, single submitter. Criteria: Invitae Variant Classification Sherloc (09022015). Collection method: clinical testing. Allele origin: germline.
Comment: This sequence change replaces valine, which is neutral and non-polar, with alanine, which is neutral and non-polar, at codon 712 of the MYOM1 protein (p.Val712Ala). This variant is not present in population databases (gnomAD no frequency). This variant has not been reported in the literature in individuals affected with MYOM1-related conditions. ClinVar contains an entry for this variant (Variation ID: 1053167). Advanced modeling of protein sequence and biophysical properties (such as structural, functional, and spatial information, amino acid conservation, physicochemical variation, residue mobility, and thermodynamic stability) performed at Invitae indicates that this missense variant is expected to disrupt MYOM1 protein function with a positive predictive value of 80%. In summary, the available evidence is currently insufficient to determine the role of this variant in disease. Therefore, it has been classified as a Variant of Uncertain Significance.

NM_003803.4(MYOM1):c.2135T>C (p.Val712Ala)

Gene: MYOM1 (myomesin 1; minus strand). Cytogenetic location: 18p11.31.
Variant type: single nucleotide variant.
Coding change: c.2135T>C on transcript NM_003803.4 (MANE Select); coding-DNA position 2135, T replaced by C.
Protein change: p.Val712Ala; replaces valine 712 with alanine.
Molecular consequence: missense variant.
Genome position (GRCh38, 1-based): chr18:3,135,621, A>G on the plus strand (T>C on the coding strand, the complement: MYOM1 is on the minus strand). VCF-style: chr18-3135621-A-G. GRCh37 (hg19) VCF-style: chr18-3135619-A-G.
Other names: c.2135T>C, p.Val712Ala (NM_019856.2); c.2135T>C (NM_003803.3); short protein forms V712A.
Identifiers: ClinVar variation 1053167 (VCV001053167.10), dbSNP rs1486875567, ClinGen allele CA401713016.